The following is an entry in ClinVar:

NM_002470.4(MYH3):c.223G>A (p.Glu75Lys)

Gene: MYH3 (myosin heavy chain 3; minus strand). Cytogenetic location: 17p13.1.
Variant type: single nucleotide variant.
Coding change: c.223G>A on transcript NM_002470.4 (MANE Select); coding-DNA position 223, G replaced by A.
Protein change: p.Glu75Lys; replaces glutamic acid 75 with lysine.
Molecular consequence: missense variant.
Genome position (GRCh38, 1-based): chr17:10,652,545, C>T on the plus strand (G>A on the coding strand, the complement: MYH3 is on the minus strand). VCF-style: chr17-10652545-C-T. GRCh37 (hg19) VCF-style: chr17-10555862-C-T.
Other names: short protein forms E75K.
Identifiers: ClinVar variation 3730967 (VCV003730967.1).

ClinVar aggregate classification (germline): Uncertain significance (1 of 4 stars; one submission).

gnomAD v4.1: 3 of 1,606,676 alleles (0.00019%); highest among the groups gnomAD compares: Admixed American, 0.0017%; no homozygotes.

Submission:

GeneDx
Classification: Uncertain significance. Last evaluated: 2024-08-08. Review status: criteria provided, single submitter. Criteria: GeneDx Variant Classification Process June 2021. Collection method: clinical testing. Allele origin: germline. Affected: yes.
Comment: Not observed at significant frequency in large population cohorts (gnomAD); In silico analysis supports that this missense variant has a deleterious effect on protein structure/function; Has not been previously published as pathogenic or benign to our knowledge